The following is an entry in ClinVar:

NM_020987.5(ANK3):c.9736A>C (p.Asn3246His)

Gene: ANK3 (ankyrin 3; minus strand). Cytogenetic location: 10q21.2.
Variant type: single nucleotide variant.
Coding change: c.9736A>C on transcript NM_020987.5 (MANE Select); coding-DNA position 9736, A replaced by C.
Protein change: p.Asn3246His; replaces asparagine 3246 with histidine.
Molecular consequence: missense variant. On other transcripts: intron variant (4).
Genome position (GRCh38, 1-based): chr10:60,071,145, T>G on the plus strand (A>C on the coding strand, the complement: ANK3 is on the minus strand). VCF-style: chr10-60071145-T-G. GRCh37 (hg19) VCF-style: chr10-61830903-T-G.
Other names: c.4388-3136A>C (NM_001204403.2); c.4409-3136A>C (NM_001204404.2); c.4406-3136A>C (NM_001320874.2); c.1808-3136A>C (NM_001149.4); short protein forms N3246H.
Identifiers: ClinVar variation 1353743 (VCV001353743.6), dbSNP rs2131970577, ClinGen allele CA377002516.

ClinVar aggregate classification (germline): Uncertain significance (1 of 4 stars; one submission).

Submission:

Labcorp Genetics (formerly Invitae), Labcorp
Classification: Uncertain significance. Last evaluated: 2022-02-04. Review status: criteria provided, single submitter. Criteria: Invitae Variant Classification Sherloc (09022015). Collection method: clinical testing. Allele origin: germline.
Comment: In summary, the available evidence is currently insufficient to determine the role of this variant in disease. Therefore, it has been classified as a Variant of Uncertain Significance. Algorithms developed to predict the effect of missense changes on protein structure and function are either unavailable or do not agree on the potential impact of this missense change (SIFT: "Not Available"; PolyPhen-2: "Benign"; Align-GVGD: "Not Available"). This variant has not been reported in the literature in individuals affected with ANK3-related conditions. This variant is not present in population databases (gnomAD no frequency). This sequence change replaces asparagine with histidine at codon 3246 of the ANK3 protein (p.Asn3246His). The asparagine residue is weakly conserved and there is a small physicochemical difference between asparagine and histidine.